The following is an entry in ClinVar:

NM_014317.5(PDSS1):c.754G>C (p.Glu252Gln)

Gene: PDSS1 (decaprenyl diphosphate synthase subunit 1; plus strand). Cytogenetic location: 10p12.1.
Variant type: single nucleotide variant.
Coding change: c.754G>C on transcript NM_014317.5 (MANE Select); coding-DNA position 754, G replaced by C.
Protein change: p.Glu252Gln; replaces glutamic acid 252 with glutamine.
Molecular consequence: missense variant.
Genome position (GRCh38, 1-based): chr10:26,724,046, G>C. VCF-style: chr10-26724046-G-C. GRCh37 (hg19) VCF-style: chr10-27012975-G-C.
Other names: c.754G>C, p.Glu252Gln (NM_001321978.2); c.244G>C, p.Glu82Gln (NM_001321979.2); short protein forms E82Q, E252Q.
Identifiers: ClinVar variation 879596 (VCV000879596.11), dbSNP rs376818531, ClinGen allele CA5447020.

ClinVar aggregate classification (germline): Uncertain significance. Review status: criteria provided, multiple submitters, no conflicts (2 of 4 stars). 4 submissions from 4 submitters: Uncertain significance (4). Last evaluated 2025-01-24.

Conditions:
Deafness-encephaloneuropathy-obesity-valvulopathy syndrome. Identifiers: Orphanet 254898, MedGen C3553354, MONDO:0013837, OMIM 614651.
Inborn genetic diseases. Identifiers: MedGen C0950123, MeSH D030342.

Allele frequency attached by ClinVar (database versions not stated): ExAC 0.00002; gnomAD exomes 0.00002; TOPMed 0.00014; ESP Exome Variant Server 0.00015; gnomAD 0.00015 and 0.00017.
gnomAD v4.1: 50 of 1,614,054 alleles (0.0031%); highest among the groups gnomAD compares: African/African-American, 0.061%; no homozygotes.

Submissions (4):

Ambry Genetics
Classification: Uncertain significance for Inborn genetic diseases. Last evaluated: 2025-01-24. Review status: criteria provided, single submitter. Criteria: Ambry Variant Classification Scheme 2023. Collection method: clinical testing. Allele origin: germline.

Fulgent Genetics
Classification: Uncertain significance for Deafness-encephaloneuropathy-obesity-valvulopathy syndrome. Last evaluated: 2024-06-24. Review status: criteria provided, single submitter. Criteria: ACMG Guidelines, 2015. Collection method: clinical testing. Allele origin: germline.

Labcorp Genetics (formerly Invitae), Labcorp
Classification: Uncertain significance. Last evaluated: 2022-01-16. Review status: criteria provided, single submitter. Criteria: Invitae Variant Classification Sherloc (09022015). Collection method: clinical testing. Allele origin: germline.
Comment: This sequence change replaces glutamic acid, which is acidic and polar, with glutamine, which is neutral and polar, at codon 252 of the PDSS1 protein (p.Glu252Gln). This variant is present in population databases (rs376818531, gnomAD 0.04%). This variant has not been reported in the literature in individuals affected with PDSS1-related conditions. ClinVar contains an entry for this variant (Variation ID: 879596). Algorithms developed to predict the effect of missense changes on protein structure and function are either unavailable or do not agree on the potential impact of this missense change (SIFT: "Not Available"; PolyPhen-2: "Possibly Damaging"; Align-GVGD: "Not Available"). In summary, the available evidence is currently insufficient to determine the role of this variant in disease. Therefore, it has been classified as a Variant of Uncertain Significance.

Illumina Laboratory Services, Illumina
Classification: Uncertain significance for Deafness-encephaloneuropathy-obesity-valvulopathy syndrome. Last evaluated: 2018-01-13. Review status: criteria provided, single submitter. Criteria: ICSL Variant Classification Criteria 13 December 2019. Collection method: clinical testing. Allele origin: germline.